The following is an entry in ClinVar:

NM_015231.3(NUP160):c.2018A>G (p.Tyr673Cys)

Gene: NUP160 (nucleoporin 160; minus strand). Cytogenetic location: 11p11.2.
Variant type: single nucleotide variant.
Coding change: c.2018A>G on transcript NM_015231.3 (MANE Select); coding-DNA position 2018, A replaced by G.
Protein change: p.Tyr673Cys; replaces tyrosine 673 with cysteine.
Molecular consequence: missense variant. On other transcripts: non-coding transcript variant (1).
Genome position (GRCh38, 1-based): chr11:47,812,185, T>C on the plus strand (A>G on the coding strand, the complement: NUP160 is on the minus strand). VCF-style: chr11-47812185-T-C. GRCh37 (hg19) VCF-style: chr11-47833737-T-C.
Other names: c.2120A>G (NM_015231.1); short protein forms Y673C.
Identifiers: ClinVar variation 1492103 (VCV001492103.7), dbSNP rs758245265, ClinGen allele CA5981117.

ClinVar aggregate classification (germline): Uncertain significance. Review status: criteria provided, multiple submitters, no conflicts (2 of 4 stars). 2 submissions from 2 submitters: Uncertain significance (2). Last evaluated 2025-07-10.

Allele frequency attached by ClinVar (database versions not stated): gnomAD 0.00003 and 0.00004; ExAC 0.00004; gnomAD exomes 0.00005; TOPMed 0.00005.
gnomAD v4.1: 102 of 1,614,030 alleles (0.0063%); highest among the groups gnomAD compares: Non-Finnish European, 0.0082%; no homozygotes.

Submissions (2):

Labcorp Genetics (formerly Invitae), Labcorp
Classification: Uncertain significance. Last evaluated: 2025-07-10. Review status: criteria provided, single submitter. Criteria: Invitae Variant Classification Sherloc (09022015). Collection method: clinical testing. Allele origin: germline.
Comment: This sequence change replaces tyrosine, which is neutral and polar, with cysteine, which is neutral and slightly polar, at codon 707 of the NUP160 protein (p.Tyr707Cys). This variant is present in population databases (rs758245265, gnomAD 0.01%). This variant has not been reported in the literature in individuals affected with NUP160-related conditions. ClinVar contains an entry for this variant (Variation ID: 1492103). An algorithm developed to predict the effect of missense changes on protein structure and function (PolyPhen-2) suggests that this variant is likely to be tolerated. In summary, the available evidence is currently insufficient to determine the role of this variant in disease. Therefore, it has been classified as a Variant of Uncertain Significance.

Ambry Genetics
Classification: Uncertain significance. Last evaluated: 2022-06-17. Review status: criteria provided, single submitter. Criteria: Ambry Variant Classification Scheme 2023. Collection method: clinical testing. Allele origin: germline.